The following is an entry in ClinVar:

NM_006218.4(PIK3CA):c.2275C>T (p.His759Tyr)

Gene: PIK3CA (phosphatidylinositol-4,5-bisphosphate 3-kinase catalytic subunit alpha; plus strand). Cytogenetic location: 3q26.32.
Variant type: single nucleotide variant.
Coding change: c.2275C>T on transcript NM_006218.4 (MANE Select); coding-DNA position 2275, C replaced by T.
Protein change: p.His759Tyr; replaces histidine 759 with tyrosine.
Molecular consequence: missense variant.
Genome position (GRCh38, 1-based): chr3:179,224,168, C>T. VCF-style: chr3-179224168-C-T. GRCh37 (hg19) VCF-style: chr3-178941956-C-T.
Other names: short protein forms H759Y.
Identifiers: ClinVar variation 3015525 (VCV003015525.3), dbSNP rs1355632857, ClinGen allele CA355270947.

ClinVar aggregate classification (germline): Uncertain significance (1 of 4 stars; one submission).

Conditions:
Cowden syndrome (CS). Also called: Cowden's disease; Cowden's syndrome; Cowden disease. Identifiers: Orphanet 201, MedGen C0018553, MONDO:0016063. Disease mechanism: gain of function.

Allele frequency attached by ClinVar (database versions not stated): gnomAD exomes below 0.00001; TOPMed below 0.00001; gnomAD 0.00001.
gnomAD v4.1: 5 of 1,564,878 alleles (0.00032%); highest among the groups gnomAD compares: African/African-American, 0.0027%; no homozygotes.

Submission:

Labcorp Genetics (formerly Invitae), Labcorp
Classification: Uncertain significance for Cowden syndrome. Last evaluated: 2023-03-02. Review status: criteria provided, single submitter. Criteria: Invitae Variant Classification Sherloc (09022015). Collection method: clinical testing. Allele origin: germline.
Comment: This variant has not been reported in the literature in individuals affected with PIK3CA-related conditions. This variant is present in population databases (no rsID available, gnomAD 0.004%). This sequence change replaces histidine, which is basic and polar, with tyrosine, which is neutral and polar, at codon 759 of the PIK3CA protein (p.His759Tyr). Advanced modeling of protein sequence and biophysical properties (such as structural, functional, and spatial information, amino acid conservation, physicochemical variation, residue mobility, and thermodynamic stability) has been performed at Invitae for this missense variant, however the output from this modeling did not meet the statistical confidence thresholds required to predict the impact of this variant on PIK3CA protein function. In summary, the available evidence is currently insufficient to determine the role of this variant in disease. Therefore, it has been classified as a Variant of Uncertain Significance.